The following is an entry in ClinVar:

ClinVar aggregate classification (germline): Likely benign. Review status: criteria provided, multiple submitters, no conflicts (2 of 4 stars). 2 submissions from 2 submitters: Likely benign (2). Last evaluated 2024-08-01.

Allele frequency attached by ClinVar (database versions not stated): gnomAD 0.00001; TOPMed 0.00001.

Submissions (2):

CeGaT Center for Human Genetics Tuebingen
Classification: Likely benign. Last evaluated: 2024-08-01. Review status: criteria provided, single submitter. Criteria: CeGaT Center For Human Genetics Tuebingen Variant Classification Criteria Version 2. Collection method: clinical testing. Allele origin: germline. Affected: yes. Observed: 1 variant allele.
Comment: GTPBP3: BP4, BP7

Labcorp Genetics (formerly Invitae), Labcorp
Classification: Likely benign. Last evaluated: 2023-01-23. Review status: criteria provided, single submitter. Criteria: Invitae Variant Classification Sherloc (09022015). Collection method: clinical testing. Allele origin: germline.

NM_032620.4(GTPBP3):c.996T>C (p.Ile332=)

Gene: GTPBP3 (GTP binding protein 3, mitochondrial; plus strand). Cytogenetic location: 19p13.11.
Variant type: single nucleotide variant.
Coding change: c.996T>C on transcript NM_032620.4 (MANE Select); coding-DNA position 996, T replaced by C.
Protein change: p.Ile332=; no amino-acid change (isoleucine 332 retained).
Molecular consequence: synonymous variant. On other transcripts: intron variant (1).
Genome position (GRCh38, 1-based): chr19:17,341,065, T>C. VCF-style: chr19-17341065-T-C. GRCh37 (hg19) VCF-style: chr19-17451874-T-C.
Other names: c.1062T>C, p.Ile354= (NM_001195422.1); c.1092T>C, p.Ile364= (NM_133644.4); c.975-42T>C (NM_001128855.3).
Identifiers: ClinVar variation 2905650 (VCV002905650.19), dbSNP rs1201138996, ClinGen allele CA505988269.
Genomic context (GRCh38, chr19:17,341,065, plus strand): 5'-CAACCTGGGATCCCCGCTCAGTTGACCTTGCTCCCGCAGGCTAGAGCAGGCTGACCTCAT[T>C]CTGGCCATGCTGGATGCTTCTGACCTGGCCTCTCCCTCCAGTTGCAACTTCCTGGCCACC-3'
Protein context (NP_116009.2, residues 322-342): ARERLEQADL[Ile332=]LAMLDASDLA